The following is an entry in ClinVar:

NM_006005.3(WFS1):c.713-945A>G

Gene: WFS1 (wolframin ER transmembrane glycoprotein; plus strand). Cytogenetic location: 4p16.1.
Variant type: single nucleotide variant.
Coding change: c.713-945A>G on transcript NM_006005.3 (MANE Select); 945 bases into the intron before coding-DNA position 713, A replaced by G.
Molecular consequence: intron variant.
Genome position (GRCh38, 1-based): chr4:6,294,096, A>G. VCF-style: chr4-6294096-A-G. GRCh37 (hg19) VCF-style: chr4-6295823-A-G.
Other names: c.713-945A>G (NM_001145853.1).
Identifiers: ClinVar variation 673405 (VCV000673405.2), dbSNP rs116109951, ClinGen allele CA11887477.

ClinVar aggregate classification (germline): Benign. Review status: criteria provided, multiple submitters, no conflicts (2 of 4 stars). 2 submissions from 2 submitters: Benign (2). Last evaluated 2018-06-16.

Conditions:
Wolfram syndrome 1 (WFS1). Identifiers: Orphanet 3463, MedGen C4551693, MONDO:0009101, OMIM 222300.

Allele frequency attached by ClinVar (database versions not stated): TOPMed 0.03466; gnomAD 0.03694 and 0.03890; 1000 Genomes Project 30x 0.05075; 1000 Genomes Project 0.05351.
gnomAD v4.1: 5,888 of 152,238 alleles (3.9%); highest among the groups gnomAD compares: South Asian, 7.8%; 147 homozygotes.

Submissions (2):

GeneDx
Classification: Benign. Last evaluated: 2018-06-16. Review status: criteria provided, single submitter. Criteria: GeneDx Variant Classification (06012015). Collection method: clinical testing. Allele origin: germline. Affected: yes.
Comment: This variant is considered likely benign or benign based on one or more of the following criteria: it is a conservative change, it occurs at a poorly conserved position in the protein, it is predicted to be benign by multiple in silico algorithms, and/or has population frequency not consistent with disease.

Clinical Genomics, Uppaluri K&H Personalized Medicine Clinic
Classification: Benign for Wolfram syndrome 1. Review status: criteria provided, single submitter. Criteria: K & H Uppaluri Personalized Medicine Clinic Variant Classification & Assertion Criteria_Updated V.1. Collection method: research. Allele origin: unknown. Inheritance: Autosomal recessive inheritance.
Comment: Potent mutations in WFS1 gene are associated with Wolfram's syndrome, an autosomal recessive condition, which cause diabetes mellitus, diabetes insipidus, deafness and optic atrophy. However no sufficient evidence is found to ascertain the role of this particular variant rs116109951 in Wolfram's syndrome yet.

Literature cited by the submitters: PubMed 20738327 (cited by Clinical Genomics, Uppaluri K&H Personalized Medicine Clinic); PubMed 33879153 (cited by Clinical Genomics, Uppaluri K&H Personalized Medicine Clinic); PubMed 12955714 (cited by Clinical Genomics, Uppaluri K&H Personalized Medicine Clinic); PubMed 18060660 (cited by Clinical Genomics, Uppaluri K&H Personalized Medicine Clinic); PubMed 20301750 (cited by Clinical Genomics, Uppaluri K&H Personalized Medicine Clinic); PubMed 17603484 (cited by Clinical Genomics, Uppaluri K&H Personalized Medicine Clinic).